The following is an entry in ClinVar:

ClinVar aggregate classification (germline): Likely benign (0 of 4 stars; one submission).

Conditions:
PTPRS-related disorder. Also called: PTPRS-related condition.

Submission:

PreventionGenetics, part of Exact Sciences
Classification: Likely benign for PTPRS-related condition. Last evaluated: 2021-12-20. Review status: no assertion criteria provided. Collection method: clinical testing. Allele origin: germline.
Comment: This variant is classified as likely benign based on ACMG/AMP sequence variant interpretation guidelines (Richards et al. 2015 PMID: 25741868, with internal and published modifications).

NM_002850.4(PTPRS):c.2156-24CTCCC[2]

Gene: PTPRS (protein tyrosine phosphatase receptor type S; minus strand). Cytogenetic location: 19p13.3.
Variant type: Microsatellite.
Coding change: c.2156-24CTCCC[2] on transcript NM_002850.4 (MANE Select); two copies in a row of the 5-base unit CTCCC starting at c.2156-24; the reference has three copies in a row; one copy, 5 bases deleted.
Molecular consequence: intron variant.
Genome position (GRCh38, 1-based): chr19:5,229,694-5,229,698, GGGAG deleted on the plus strand (CTCCC on the coding strand, the reverse complement: PTPRS is on the minus strand); deleting any 5 consecutive bases within chr19:5,229,694-5,229,711 gives the same sequence; the position shown is the placement nearest the transcript's 3' end. VCF-style (leftmost placement, unchanged base first): chr19-5229693-CGGGAG-C. GRCh37 (hg19) VCF-style: chr19-5229704-CGGGAG-C.
Other names: c.1811-7488CTCCC[2] (NM_130853.3); c.2117-24CTCCC[2] (NM_001394013.1, NM_130854.3, NM_001394011.1 and 1 more transcripts); c.1823-7488CTCCC[2] (NM_130855.3).
Identifiers: ClinVar variation 3034791 (VCV003034791.2), dbSNP rs538484063, ClinGen allele CA304605913.
Genomic context (GRCh38, chr19:5,229,693, plus strand): 5'-GCCGTGGCGTTGAGCGCCTCCGCCTCCACCTTCCGCGGCGGCGCGCTGGGCACTGGCGGG[CGGGAG>C]GGGAGGGGAGGGGCGGGCGGAGCCGTTACCAGGGCGCCCGGCCCTGCCCCGGGCAGTGCC-3'